The following is an entry in ClinVar:

NM_057175.5(NAA15):c.1982T>C (p.Leu661Ser)

Gene: NAA15 (N-alpha-acetyltransferase 15, NatA auxiliary subunit; plus strand). Cytogenetic location: 4q31.1.
Variant type: single nucleotide variant.
Coding change: c.1982T>C on transcript NM_057175.5 (MANE Select); coding-DNA position 1982, T replaced by C.
Protein change: p.Leu661Ser; replaces leucine 661 with serine.
Molecular consequence: missense variant.
Genome position (GRCh38, 1-based): chr4:139,376,399, T>C. VCF-style: chr4-139376399-T-C. GRCh37 (hg19) VCF-style: chr4-140297553-T-C.
Other names: c.1982T>C, p.Leu661Ser (NM_001410842.1); short protein forms L661S.
Identifiers: ClinVar variation 3369445 (VCV003369445.1).

ClinVar aggregate classification (germline): Uncertain significance (1 of 4 stars; one submission).

Submission:

GeneDx
Classification: Uncertain significance. Last evaluated: 2024-02-22. Review status: criteria provided, single submitter. Criteria: GeneDx Variant Classification Process June 2021. Collection method: clinical testing. Allele origin: germline. Affected: yes.
Comment: Not observed at significant frequency in large population cohorts (gnomAD); In silico analysis supports that this missense variant has a deleterious effect on protein structure/function; Has not been previously published as pathogenic or benign to our knowledge